The following is an entry in ClinVar:

NM_002293.4(LAMC1):c.2700C>T (p.Pro900=)

Gene: LAMC1 (laminin subunit gamma 1; plus strand). Cytogenetic location: 1q25.3.
Variant type: single nucleotide variant.
Coding change: c.2700C>T on transcript NM_002293.4 (MANE Select); coding-DNA position 2700, C replaced by T.
Protein change: p.Pro900=; no amino-acid change (proline 900 retained).
Molecular consequence: synonymous variant.
Genome position (GRCh38, 1-based): chr1:183,125,449, C>T. VCF-style: chr1-183125449-C-T. GRCh37 (hg19) VCF-style: chr1-183094584-C-T.
Identifiers: ClinVar variation 3033833 (VCV003033833.2), dbSNP rs141471265, ClinGen allele CA1281441.

ClinVar aggregate classification (germline): Likely benign (0 of 4 stars; one submission).

Conditions:
LAMC1-related disorder. Also called: LAMC1-related condition.

Allele frequency attached by ClinVar (database versions not stated): 1000 Genomes Project 30x 0.00016; 1000 Genomes Project 0.00020; ExAC 0.00040; gnomAD 0.00070; TOPMed 0.00071; ESP Exome Variant Server 0.00131.

Submission:

PreventionGenetics, part of Exact Sciences
Classification: Likely benign for LAMC1-related condition. Last evaluated: 2019-03-14. Review status: no assertion criteria provided. Collection method: clinical testing. Allele origin: germline.
Comment: This variant is classified as likely benign based on ACMG/AMP sequence variant interpretation guidelines (Richards et al. 2015 PMID: 25741868, with internal and published modifications).